The following is an entry in ClinVar:

ClinVar aggregate classification (germline): Uncertain significance (0 of 4 stars; one submission).

Conditions:
CUL4B-related disorder. Also called: CUL4B-related condition.

Submission:

PreventionGenetics, part of Exact Sciences
Classification: Uncertain significance for CUL4B-related condition. Last evaluated: 2024-04-18. Review status: no assertion criteria provided. Collection method: clinical testing. Allele origin: germline.
Comment: The CUL4B c.2096C>T variant is predicted to result in the amino acid substitution p.Pro699Leu. To our knowledge, this variant has not been reported in the literature or in a large population database, indicating this variant is rare. At this time, the clinical significance of this variant is uncertain due to the absence of conclusive functional and genetic evidence.

NM_001079872.2(CUL4B):c.2042C>T (p.Pro681Leu)

Gene: CUL4B (cullin 4B; minus strand). Cytogenetic location: Xq24.
Variant type: single nucleotide variant.
Coding change: c.2042C>T on transcript NM_001079872.2 (MANE Select); coding-DNA position 2042, C replaced by T.
Protein change: p.Pro681Leu; replaces proline 681 with leucine.
Molecular consequence: missense variant.
Genome position (GRCh38, 1-based): chrX:120,536,931, G>A on the plus strand (C>T on the coding strand, the complement: CUL4B is on the minus strand). VCF-style: chrX-120536931-G-A. GRCh37 (hg19) VCF-style: chrX-119670786-G-A.
Other names: c.2057C>T, p.Pro686Leu (NM_001330624.2); c.1508C>T, p.Pro503Leu (NM_001369145.1); c.2096C>T, p.Pro699Leu (NM_003588.4); short protein forms P503L, P681L, P686L, P699L.
Identifiers: ClinVar variation 3345837 (VCV003345837.1).